The following is an entry in ClinVar:

ClinVar aggregate classification (germline): Uncertain significance (1 of 4 stars; one submission).

Submission:

GeneDx
Classification: Uncertain significance. Last evaluated: 2023-05-02. Review status: criteria provided, single submitter. Criteria: GeneDx Variant Classification Process June 2021. Collection method: clinical testing. Allele origin: germline. Affected: yes.
Comment: Not observed at significant frequency in large population cohorts (gnomAD); In silico analysis supports that this missense variant has a deleterious effect on protein structure/function; Has not been previously published as pathogenic or benign to our knowledge

NM_032590.5(KDM2B):c.1142C>T (p.Thr381Ile)

Gene: KDM2B (lysine demethylase 2B; minus strand). Cytogenetic location: 12q24.31.
Variant type: single nucleotide variant.
Coding change: c.1142C>T on transcript NM_032590.5 (MANE Select); coding-DNA position 1142, C replaced by T.
Protein change: p.Thr381Ile; replaces threonine 381 with isoleucine.
Molecular consequence: missense variant.
Genome position (GRCh38, 1-based): chr12:121,513,308, G>A on the plus strand (C>T on the coding strand, the complement: KDM2B is on the minus strand). VCF-style: chr12-121513308-G-A. GRCh37 (hg19) VCF-style: chr12-121951111-G-A.
Other names: c.1049C>T, p.Thr350Ile (NM_001005366.2); short protein forms T350I, T381I.
Identifiers: ClinVar variation 2663438 (VCV002663438.1), dbSNP rs782143544, ClinGen allele CA386979390.